The following is an entry in ClinVar:

NM_007078.3(LDB3):c.1506G>A (p.Pro502=)

Gene: LDB3 (LIM domain binding 3; plus strand). Cytogenetic location: 10q23.2.
Variant type: single nucleotide variant.
Coding change: c.1506G>A on transcript NM_007078.3 (MANE Select); coding-DNA position 1506, G replaced by A.
Protein change: p.Pro502=; no amino-acid change (proline 502 retained).
Molecular consequence: synonymous variant. On other transcripts: genic downstream transcript variant (1).
Genome position (GRCh38, 1-based): chr10:86,716,601, G>A. VCF-style: chr10-86716601-G-A. GRCh37 (hg19) VCF-style: chr10-88476358-G-A.
Other names: c.*17227G>A (NM_001080116.1); c.1176G>A, p.Pro392= (NM_001080114.2); c.1521G>A, p.Pro507= (NM_001171610.2); c.1317G>A, p.Pro439= (NM_001368064.1, NM_001368065.1); c.1365G>A, p.Pro455= (NM_001368066.1).
Identifiers: ClinVar variation 45526 (VCV000045526.39), dbSNP rs45579241, ClinGen allele CA136536.

ClinVar aggregate classification (germline): Benign. Review status: criteria provided, multiple submitters, no conflicts (2 of 4 stars). 10 submissions from 10 submitters: Benign (7). 3 of the submissions do not count toward it. Last evaluated 2026-02-01.

Conditions:
Cardiovascular phenotype. Identifiers: MedGen CN230736.
Cardiomyopathy (CMYO). Also called: Cardiomyopathies. Identifiers: Orphanet 167848, MedGen C0878544, MONDO:0004994, HP:0001638. Inheritance: Various modes of inheritance.
Myofibrillar myopathy 4. Also called: Zaspopathy (type). Identifiers: Orphanet 98912, MedGen C4721886, MONDO:0012277, OMIM 609452.

Allele frequency attached by ClinVar (database versions not stated): gnomAD exomes 0.00214; ExAC 0.00286; 1000 Genomes Project 0.00779; gnomAD 0.00863 and 0.00941; 1000 Genomes Project 30x 0.00874; ESP Exome Variant Server 0.00976; TOPMed 0.00997.

Submissions (12):

Labcorp Genetics (formerly Invitae), Labcorp
Classification: Benign for Myofibrillar myopathy 4. Last evaluated: 2026-02-01. Review status: criteria provided, single submitter. Criteria: Invitae Variant Classification Sherloc (09022015). Collection method: clinical testing. Allele origin: germline.

ARUP Laboratories, Molecular Genetics and Genomics, ARUP Laboratories
Classification: Benign. Last evaluated: 2025-07-01. Review status: criteria provided, single submitter. Criteria: ARUP Molecular Germline Variant Investigation Process 2024. Collection method: clinical testing. Allele origin: germline.

CHEO Genetics Diagnostic Laboratory, Children's Hospital of Eastern Ontario
Classification: Benign for Cardiomyopathy. Last evaluated: 2017-09-25. Review status: criteria provided, single submitter. Criteria: ACMG Guidelines, 2015. Collection method: clinical testing. Allele origin: germline. Study: Canadian Open Genetics Repository.

Ambry Genetics
Classification: Benign for Cardiovascular phenotype. Last evaluated: 2015-08-04. Review status: criteria provided, single submitter. Criteria: Ambry Variant Classification Scheme 2023. Collection method: clinical testing. Allele origin: germline.

GeneDx
Classification: Benign. Last evaluated: 2015-03-03. Review status: criteria provided, single submitter. Criteria: GeneDx Variant Classification Process June 2021. Collection method: clinical testing. Allele origin: germline. Affected: yes.

Laboratory for Molecular Medicine, Mass General Brigham Personalized Medicine
Classification: Benign. Last evaluated: 2012-02-23. Review status: criteria provided, single submitter. Criteria: LMM Criteria. Collection method: clinical testing. Allele origin: germline. Observed: 25 variant alleles.
Comment: Pro502Pro in exon 12 of LDB3: This variant is not expected to have clinical sign ificance because it has been identified in 2.7% (102/3738) of African American c hromosomes from a broad population by the NHLBI Exome Sequencing Project (dbSNP rs45579241).

Breakthrough Genomics
Classification: Benign. Review status: criteria provided, single submitter. Criteria: ACMG Guidelines, 2015. Collection method: not provided. Allele origin: germline. Inheritance: Autosomal dominant inheritance. Affected: yes.

Clinical Genetics DNA and cytogenetics Diagnostics Lab, Erasmus MC, Erasmus Medical Center
Classification: Benign. Review status: no assertion criteria provided. Collection method: clinical testing. Allele origin: germline. Affected: yes. Study: VKGL Data-share Consensus. Not counted in ClinVar's aggregate classification.

Clinical Genetics, Academic Medical Center
Classification: Benign. Review status: no assertion criteria provided. Collection method: clinical testing. Allele origin: germline. Affected: yes. Study: VKGL Data-share Consensus. Not counted in ClinVar's aggregate classification.

Diagnostic Laboratory, Department of Genetics, University Medical Center Groningen
Classification: Likely benign. Review status: no assertion criteria provided. Collection method: clinical testing. Allele origin: germline. Affected: yes. Study: VKGL Data-share Consensus. Not counted in ClinVar's aggregate classification.

Dr. Peter K. Rogan Lab, Western University
No classification provided (evidence only). Condition: Lung cancer. Review status: no classification provided. Collection method: in vitro. Allele origin: not applicable. Functional consequence: retained intron. Not counted in ClinVar's aggregate classification.

Dr. Peter K. Rogan Lab, Western University
No classification provided (evidence only). Condition: Uterine carcinosarcoma. Review status: no classification provided. Collection method: in vitro. Allele origin: not applicable. Functional consequence: retained intron. Not counted in ClinVar's aggregate classification.